The following is an entry in ClinVar:

ClinVar aggregate classification (germline): Pathogenic (1 of 4 stars; one submission).

Submission:

Labcorp Genetics (formerly Invitae), Labcorp
Classification: Pathogenic. Last evaluated: 2020-02-11. Review status: criteria provided, single submitter. Criteria: Invitae Variant Classification Sherloc (09022015). Collection method: clinical testing. Allele origin: germline.
Comment: For these reasons, this variant has been classified as Pathogenic. This variant disrupts the C-terminus of the NSD1 protein. Other variant(s) that disrupt this region (p.Glu2564*) have been determined to be pathogenic (Invitae). This suggests that variants that disrupt this region of the protein are likely to be causative of disease. This variant has not been reported in the literature in individuals with NSD1-related conditions. This variant is not present in population databases (ExAC no frequency). This sequence change results in a premature translational stop signal in the NSD1 gene (p.Lys2098Asnfs*52). While this is not anticipated to result in nonsense mediated decay, it is expected to disrupt the last 599 amino acids of the NSD1 protein.

NM_022455.5(NSD1):c.6294del (p.Lys2098fs)

Gene: NSD1 (nuclear receptor binding SET domain protein 1; plus strand). Cytogenetic location: 5q35.3.
Variant type: Deletion.
Coding change: c.6294del on transcript NM_022455.5 (MANE Select); coding-DNA position 6294, one base deleted (A; older notation c.6294delA).
Protein change: p.Lys2098fs; shifts the reading frame from lysine 2098.
Molecular consequence: frameshift variant.
Genome position (GRCh38, 1-based): chr5:177,291,989, A deleted; the last of 3 consecutive A bases (chr5:177,291,987-177,291,989); deleting any one gives the same sequence. VCF-style (leftmost placement, unchanged base first): chr5-177291986-GA-G. GRCh37 (hg19) VCF-style: chr5-176718987-GA-G.
Other names: c.5541delA, p.Lys1847Asnfs (NM_001409305.1); c.5532delA, p.Lys1844Asnfs (NM_001409306.1, NM_001409307.1); c.5421delA, p.Lys1807Asnfs (NM_001409308.1, NM_172349.5, NM_001365684.2); c.5172delA, p.Lys1724Asnfs (NM_001409309.1); c.6294delA, p.Lys2098Asnfs (NM_001409301.1, NM_001409302.1, NM_001409303.1); c.5874delA, p.Lys1958Asnfs (NM_001409304.1); short protein forms K1829fs, K2098fs.
Identifiers: ClinVar variation 1069920 (VCV001069920.10), dbSNP rs2127276076, ClinGen allele CA2499217789.